The following is an entry in ClinVar:

ClinVar aggregate classification (germline): Uncertain significance (1 of 4 stars; one submission).

Submission:

Ambry Genetics
Classification: Uncertain significance. Last evaluated: 2026-03-12. Review status: criteria provided, single submitter. Criteria: Ambry Variant Classification Scheme 2023. Collection method: clinical testing. Allele origin: germline.
Comment: The p.A1098P variant (also known as c.3292G>C), located in coding exon 12 of the CDK12 gene, results from a G to C substitution at nucleotide position 3292. The alanine at codon 1098 is replaced by proline, an amino acid with highly similar properties. This amino acid position is conserved. In addition, this alteration is predicted to be tolerated by in silico analysis. Based on the available evidence, the clinical significance of this variant remains unclear.

NM_016507.4(CDK12):c.3292G>C (p.Ala1098Pro)

Gene: CDK12 (cyclin dependent kinase 12; plus strand). Cytogenetic location: 17q12.
Variant type: single nucleotide variant.
Coding change: c.3292G>C on transcript NM_016507.4 (MANE Select); coding-DNA position 3292, G replaced by C.
Protein change: p.Ala1098Pro; replaces alanine 1098 with proline.
Molecular consequence: missense variant.
Genome position (GRCh38, 1-based): chr17:39,524,870, G>C. VCF-style: chr17-39524870-G-C. GRCh37 (hg19) VCF-style: chr17-37681123-G-C.
Other names: c.3292G>C, p.Ala1098Pro (NM_015083.4); short protein forms A1098P.
Identifiers: ClinVar variation 4825964 (VCV004825964.1).